The following is an entry in ClinVar:

NM_001382567.1(STIM1):c.1672A>C (p.Met558Leu)

Gene: STIM1 (stromal interaction molecule 1; plus strand). Cytogenetic location: 11p15.4.
Variant type: single nucleotide variant.
Coding change: c.1672A>C on transcript NM_001382567.1 (MANE Select); coding-DNA position 1672, A replaced by C.
Protein change: p.Met558Leu; replaces methionine 558 with leucine.
Molecular consequence: missense variant. On other transcripts: non-coding transcript variant (3).
Genome position (GRCh38, 1-based): chr11:4,091,319, A>C. VCF-style: chr11-4091319-A-C. GRCh37 (hg19) VCF-style: chr11-4112549-A-C.
Other names: c.1897A>C, p.Met633Leu (NM_001277961.3); c.1616A>C, p.His539Pro (NM_001277962.2); c.1675A>C, p.Met559Leu (NM_001382566.1); c.1600A>C, p.Met534Leu (NM_001382568.1); c.1444A>C, p.Met482Leu (NM_001382569.1); c.1351A>C, p.Met451Leu (NM_001382570.1); c.1099A>C, p.Met367Leu (NM_001382571.1); c.1357A>C, p.Met453Leu (NM_001382575.1, NM_001382576.1, NM_001382577.1); and 4 more; short protein forms M364L, M527L, M534L, M451L, M559L, M633L, H376P, M453L.
Identifiers: ClinVar variation 4793390 (VCV004793390.1).

ClinVar aggregate classification (germline): Uncertain significance (1 of 4 stars; one submission).

Conditions:
Myopathy with tubular aggregates (TAM). Also called: Tubular Aggregate Myopathy. Identifiers: Orphanet 2593, MedGen C0410207, MONDO:0008051.
Stormorken syndrome (STRMK). Also called: THROMBOCYTOPATHY, ASPLENIA, AND MIOSIS. Identifiers: Orphanet 3204, MedGen C1861451, MONDO:0008497, OMIM 185070.
Combined immunodeficiency due to STIM1 deficiency. Also called: STIM1 DEFICIENCY; IMMUNODEFICIENCY 10. Identifiers: Orphanet 169090, Orphanet 317430, MedGen C2748557, MONDO:0013008, OMIM 612783.

gnomAD v4.1: 3 of 1,614,100 alleles (0.00019%); highest among the groups gnomAD compares: Non-Finnish European, 0.00025%; no homozygotes.

Submission:

Labcorp Genetics (formerly Invitae), Labcorp
Classification: Uncertain significance for Myopathy with tubular aggregates; Combined immunodeficiency due to STIM1 deficiency; Stormorken syndrome. Last evaluated: 2025-07-06. Review status: criteria provided, single submitter. Criteria: Invitae Variant Classification Sherloc (09022015). Collection method: clinical testing. Allele origin: germline.
Comment: This sequence change replaces methionine, which is neutral and non-polar, with leucine, which is neutral and non-polar, at codon 527 of the STIM1 protein (p.Met527Leu). This variant is not present in population databases (gnomAD no frequency). This variant has not been reported in the literature in individuals affected with STIM1-related conditions. Invitae Evidence Modeling of protein sequence and biophysical properties (such as structural, functional, and spatial information, amino acid conservation, physicochemical variation, residue mobility, and thermodynamic stability) indicates that this missense variant is not expected to disrupt STIM1 protein function with a negative predictive value of 95%. In summary, the available evidence is currently insufficient to determine the role of this variant in disease. Therefore, it has been classified as a Variant of Uncertain Significance.